The following is an entry in ClinVar:

NM_000264.5(PTCH1):c.4279G>C (p.Val1427Leu)

Gene: PTCH1 (patched 1; minus strand). Cytogenetic location: 9q22.32.
Variant type: single nucleotide variant.
Coding change: c.4279G>C on transcript NM_000264.5 (MANE Select); coding-DNA position 4279, G replaced by C.
Protein change: p.Val1427Leu; replaces valine 1427 with leucine.
Molecular consequence: missense variant. On other transcripts: non-coding transcript variant (1).
Genome position (GRCh38, 1-based): chr9:95,446,977, C>G on the plus strand (G>C on the coding strand, the complement: PTCH1 is on the minus strand). VCF-style: chr9-95446977-C-G. GRCh37 (hg19) VCF-style: chr9-98209259-C-G.
Other names: c.4081G>C, p.Val1361Leu (NM_001083602.3); c.4276G>C, p.Val1426Leu (NM_001083603.3); c.3826G>C, p.Val1276Leu (NM_001083604.3, NM_001083605.3, NM_001083606.3 and 1 more transcripts); c.4123G>C, p.Val1375Leu (NM_001354918.2); short protein forms V1276L, V1361L, V1426L, V1427L, V1375L.
Identifiers: ClinVar variation 2449674 (VCV002449674.6), dbSNP rs752919871, ClinGen allele CA5137908.

ClinVar aggregate classification (germline): Uncertain significance. Review status: criteria provided, multiple submitters, no conflicts (2 of 4 stars). 2 submissions from 2 submitters: Uncertain significance (2). Last evaluated 2025-05-23.

Conditions:
Hereditary cancer-predisposing syndrome. Also called: Hereditary neoplastic syndrome; Tumor predisposition; Neoplastic Syndromes, Hereditary; Hereditary Cancer Syndrome. Identifiers: Orphanet 140162, MedGen C0027672, MeSH D009386, MONDO:0015356.
Gorlin syndrome. Also called: Nevoid Basal Cell Carcinoma Syndrome; Basal cell nevus syndrome. Identifiers: Orphanet 377, MedGen C0004779, MONDO:0007187.

Allele frequency attached by ClinVar (database versions not stated): ExAC 0.00001; gnomAD 0.00001; TOPMed 0.00002.
gnomAD v4.1: 1 of 1,614,092 alleles (0.000062%); highest among the groups gnomAD compares: African/African-American, 0.0013%; no homozygotes.

Submissions (2):

Ambry Genetics
Classification: Uncertain significance for Hereditary cancer-predisposing syndrome. Last evaluated: 2025-05-23. Review status: criteria provided, single submitter. Criteria: Ambry Variant Classification Scheme 2023. Collection method: clinical testing. Allele origin: germline.
Comment: The p.V1427L variant (also known as c.4279G>C), located in coding exon 23 of the PTCH1 gene, results from a G to C substitution at nucleotide position 4279. The valine at codon 1427 is replaced by leucine, an amino acid with highly similar properties. This amino acid position is not well conserved in available vertebrate species. In addition, the in silico prediction for this alteration is inconclusive. Based on the available evidence, the clinical significance of this variant remains unclear.

Labcorp Genetics (formerly Invitae), Labcorp
Classification: Uncertain significance for Gorlin syndrome. Last evaluated: 2023-10-12. Review status: criteria provided, single submitter. Criteria: Invitae Variant Classification Sherloc (09022015). Collection method: clinical testing. Allele origin: germline.
Comment: This sequence change replaces valine, which is neutral and non-polar, with leucine, which is neutral and non-polar, at codon 1427 of the PTCH1 protein (p.Val1427Leu). This variant is present in population databases (rs752919871, gnomAD 0.007%). This variant has not been reported in the literature in individuals affected with PTCH1-related conditions. ClinVar contains an entry for this variant (Variation ID: 2449674). Advanced modeling of protein sequence and biophysical properties (such as structural, functional, and spatial information, amino acid conservation, physicochemical variation, residue mobility, and thermodynamic stability) performed at Invitae indicates that this missense variant is not expected to disrupt PTCH1 protein function. In summary, the available evidence is currently insufficient to determine the role of this variant in disease. Therefore, it has been classified as a Variant of Uncertain Significance.